The following is an entry in ClinVar:

NM_003331.5(TYK2):c.2495G>A (p.Arg832Gln)

Gene: TYK2 (tyrosine kinase 2; minus strand). Cytogenetic location: 19p13.2.
Variant type: single nucleotide variant.
Coding change: c.2495G>A on transcript NM_003331.5 (MANE Select); coding-DNA position 2495, G replaced by A.
Protein change: p.Arg832Gln; replaces arginine 832 with glutamine.
Molecular consequence: missense variant.
Genome position (GRCh38, 1-based): chr19:10,356,690, C>T on the plus strand (G>A on the coding strand, the complement: TYK2 is on the minus strand). VCF-style: chr19-10356690-C-T. GRCh37 (hg19) VCF-style: chr19-10467366-C-T.
Other names: c.2495G>A, p.Arg832Gln (NM_001385197.1, NM_001385198.1, NM_001385203.1); c.2309G>A, p.Arg770Gln (NM_001385199.1); c.2492G>A, p.Arg831Gln (NM_001385200.1); c.2297G>A, p.Arg766Gln (NM_001385201.1); c.2411G>A, p.Arg804Gln (NM_001385202.1); c.2705G>A, p.Arg902Gln (NM_001385204.1); c.2405G>A, p.Arg802Gln (NM_001385205.1); c.2369G>A, p.Arg790Gln (NM_001385206.1); and 1 more; short protein forms R802Q, R902Q, R766Q, R790Q, R832Q, R826Q, R770Q, R804Q.
Identifiers: ClinVar variation 1413425 (VCV001413425.5), dbSNP rs376161606, ClinGen allele CA9193024.
Genomic context (GRCh38, chr19:10,356,690, plus strand): 5'-TCATAGGTCAGACACTGGCTGGTGAGTGTGGCCAGCTGTGGGCAGGAGGGCTCGGGCAGC[C>T]GGTGCTGCCTCTGGTAGAAATGCTCCTTCTGTTGGGAAAGGGACCCAGAGGAGTCAACAT-3'
Protein context (NP_003322.3, residues 822-842): EKEHFYQRQH[Arg832Gln]LPEPSCPQLA

ClinVar aggregate classification (germline): Uncertain significance (1 of 4 stars; one submission).

Conditions:
Immunodeficiency 35 (IMD35). Also called: TYK2 DEFICIENCY; Susceptibility to infection due to TYK2 deficiency; HIES WITH ATYPICAL MYCOBACTERIOSIS, AUTOSOMAL RECESSIVE; HYPER-IgE SYNDROME WITH ATYPICAL MYCOBACTERIOSIS, AUTOSOMAL RECESSIVE. Identifiers: Orphanet 331226, MedGen C1969086, MONDO:0012682, OMIM 611521.

Allele frequency attached by ClinVar (database versions not stated): gnomAD 0.00001; ExAC 0.00002; gnomAD exomes 0.00003 and 0.00004; TOPMed 0.00004; ESP Exome Variant Server 0.00008.
gnomAD v4.1: 60 of 1,610,998 alleles (0.0037%); highest among the groups gnomAD compares: East Asian, 0.0089%; no homozygotes.

Submission:

Labcorp Genetics (formerly Invitae), Labcorp
Classification: Uncertain significance for Immunodeficiency 35. Last evaluated: 2022-07-19. Review status: criteria provided, single submitter. Criteria: Invitae Variant Classification Sherloc (09022015). Collection method: clinical testing. Allele origin: germline.
Comment: In summary, the available evidence is currently insufficient to determine the role of this variant in disease. Therefore, it has been classified as a Variant of Uncertain Significance. Algorithms developed to predict the effect of missense changes on protein structure and function output the following: SIFT: "Not Available"; PolyPhen-2: "Benign"; Align-GVGD: "Not Available". The glutamine amino acid residue is found in multiple mammalian species, which suggests that this missense change does not adversely affect protein function. ClinVar contains an entry for this variant (Variation ID: 1413425). This variant has not been reported in the literature in individuals affected with TYK2-related conditions. This variant is present in population databases (rs376161606, gnomAD 0.01%). This sequence change replaces arginine, which is basic and polar, with glutamine, which is neutral and polar, at codon 832 of the TYK2 protein (p.Arg832Gln).